The following is an entry in ClinVar:

ClinVar aggregate classification (germline): Uncertain significance (1 of 4 stars; one submission).

Submission:

GeneDx
Classification: Uncertain significance. Last evaluated: 2024-12-19. Review status: criteria provided, single submitter. Criteria: GeneDx Variant Classification Process June 2021. Collection method: clinical testing. Allele origin: germline. Affected: yes.
Comment: Not observed at significant frequency in large population cohorts (gnomAD); In silico analysis indicates that this missense variant does not alter protein structure/function; Has not been previously published as pathogenic or benign to our knowledge

NM_030962.4(SBF2):c.315A>C (p.Lys105Asn)

Gene: SBF2 (SET binding factor 2; minus strand). Cytogenetic location: 11p15.4.
Variant type: single nucleotide variant.
Coding change: c.315A>C on transcript NM_030962.4 (MANE Select); coding-DNA position 315, A replaced by C.
Protein change: p.Lys105Asn; replaces lysine 105 with asparagine.
Molecular consequence: missense variant.
Genome position (GRCh38, 1-based): chr11:10,031,135, T>G on the plus strand (A>C on the coding strand, the complement: SBF2 is on the minus strand). VCF-style: chr11-10031135-T-G. GRCh37 (hg19) VCF-style: chr11-10052682-T-G.
Other names: c.315A>C, p.Lys105Asn (NM_001386339.1, NM_001386342.1); c.351A>C, p.Lys117Asn (NM_001424318.1, NM_001425069.1, NM_001425070.1); short protein forms K105N, K117N.
Identifiers: ClinVar variation 3906316 (VCV003906316.1).